The following is an entry in ClinVar:

NM_001903.5(CTNNA1):c.415_423del (p.Leu139_Leu141del)

Gene: CTNNA1 (catenin alpha 1; plus strand). Cytogenetic location: 5q31.2.
Variant type: Deletion.
Coding change: c.415_423del on transcript NM_001903.5 (MANE Select); coding-DNA positions 415 to 423, 9 bases deleted (CTGATTTTG; older notation c.415_423delCTGATTTTG).
Protein change: p.Leu139_Leu141del.
Genome position (GRCh38, 1-based): chr5:138,810,151-138,810,159, CTGATTTTG deleted; deleting any 9 consecutive bases within chr5:138,810,148-138,810,159 gives the same sequence; the c. name uses the placement nearest the transcript's 3' end. VCF-style (leftmost placement, unchanged base first): chr5-138810147-GTTGCTGATT-G. GRCh37 (hg19) VCF-style: chr5-138145836-GTTGCTGATT-G.
Other names: c.415_423del, p.Leu139_Leu141del (NM_001290307.3, NM_001323982.2, NM_001323983.1 and 3 more transcripts); c.106_114del, p.Leu36_Leu38del (NM_001290309.3); c.46_54del, p.Leu16_Leu18del (NM_001290310.3).
Identifiers: ClinVar variation 4235627 (VCV004235627.1).

ClinVar aggregate classification (germline): Uncertain significance (1 of 4 stars; one submission).

Conditions:
Hereditary cancer-predisposing syndrome. Also called: Hereditary Cancer Syndrome; Hereditary neoplastic syndrome; Neoplastic Syndromes, Hereditary; Tumor predisposition. Identifiers: Orphanet 140162, MedGen C0027672, MeSH D009386, MONDO:0015356.

Submission:

Ambry Genetics
Classification: Uncertain significance for Hereditary cancer-predisposing syndrome. Last evaluated: 2025-07-03. Review status: criteria provided, single submitter. Criteria: Ambry Variant Classification Scheme 2023. Collection method: clinical testing. Allele origin: germline.
Comment: The c.415_423delCTGATTTTG variant (also known as p.L139_L141del) is located in coding exon 3 of the CTNNA1 gene. This variant results from an in-frame CTGATTTTG deletion at nucleotide positions 415 to 423. This results in the in-frame deletion of three amino acids at codons 139 to 141. This amino acid region is highly conserved in available vertebrate species. In addition, this variant is predicted to be deleterious by in silico analysis (Choi Y et al. PLoS ONE. 2012; 7(10):e46688). Based on the available evidence, the clinical significance of this variant remains unclear.